The following is an entry in ClinVar:

ClinVar aggregate classification (germline): Uncertain significance (1 of 4 stars; one submission).

gnomAD v4.1: 8 of 1,609,166 alleles (0.0005%); highest among the groups gnomAD compares: Non-Finnish European, 0.00068%; no homozygotes.

Submission:

Labcorp Genetics (formerly Invitae), Labcorp
Classification: Uncertain significance. Last evaluated: 2025-08-11. Review status: criteria provided, single submitter. Criteria: Invitae Variant Classification Sherloc (09022015). Collection method: clinical testing. Allele origin: germline.
Comment: This sequence change replaces glutamine, which is neutral and polar, with arginine, which is basic and polar, at codon 744 of the BPTF protein (p.Gln744Arg). This variant is not present in population databases (gnomAD no frequency). This variant has not been reported in the literature in individuals affected with BPTF-related conditions. An algorithm developed to predict the effect of missense changes on protein structure and function (PolyPhen-2) suggests that this variant is likely to be tolerated. In summary, the available evidence is currently insufficient to determine the role of this variant in disease. Therefore, it has been classified as a Variant of Uncertain Significance.

NM_182641.4(BPTF):c.1865-5539A>G

Gene: BPTF (bromodomain PHD finger transcription factor; plus strand). Cytogenetic location: 17q24.2.
Variant type: single nucleotide variant.
Coding change: c.1865-5539A>G on transcript NM_182641.4 (MANE Select); 5539 bases into the intron before coding-DNA position 1865, A replaced by G.
Molecular consequence: intron variant. On other transcripts: missense variant (4).
Genome position (GRCh38, 1-based): chr17:67,886,305, A>G. VCF-style: chr17-67886305-A-G. GRCh37 (hg19) VCF-style: chr17-65882421-A-G.
Other names: c.2231A>G, p.Gln744Arg (NM_001439140.1, NM_001439142.1, NM_004459.7); c.2042A>G, p.Gln681Arg (NM_001439143.1); c.2054-5539A>G (NM_001439141.1, NM_001439139.1, NM_001439144.1); short protein forms Q681R, Q744R.
Identifiers: ClinVar variation 4764958 (VCV004764958.1).